The following is an entry in ClinVar:

NM_016335.6(PRODH):c.964G>A (p.Asp322Asn)

Gene: PRODH (proline dehydrogenase 1; minus strand). Cytogenetic location: 22q11.21.
Variant type: single nucleotide variant.
Coding change: c.964G>A on transcript NM_016335.6 (MANE Select); coding-DNA position 964, G replaced by A.
Protein change: p.Asp322Asn; replaces aspartic acid 322 with asparagine.
Molecular consequence: missense variant.
Genome position (GRCh38, 1-based): chr22:18,921,389, C>T on the plus strand (G>A on the coding strand, the complement: PRODH is on the minus strand). VCF-style: chr22-18921389-C-T. GRCh37 (hg19) VCF-style: chr22-18908902-C-T.
Other names: c.640G>A, p.Asp214Asn (NM_001195226.2, NM_001368250.2); short protein forms D322N, D214N.
Identifiers: ClinVar variation 2074457 (VCV002074457.4), dbSNP rs570117942, ClinGen allele CA410646267.

ClinVar aggregate classification (germline): Uncertain significance. Review status: criteria provided, multiple submitters, no conflicts (2 of 4 stars). 2 submissions from 2 submitters: Uncertain significance (2). Last evaluated 2025-11-03.

Conditions:
Proline dehydrogenase deficiency (HYRPRO1). Also called: Hyperprolinemia type 1; PROLINE OXIDASE DEFICIENCY. Identifiers: Orphanet 419, MedGen C0268529, MONDO:0009400, OMIM 239500.
Schizophrenia 4 (SCZD4). Also called: SCHIZOPHRENIA, SUSCEPTIBILITY TO, 4; SCHIZOPHRENIA SUSCEPTIBILITY LOCUS, CHROMOSOME 22q11-RELATED. Identifiers: MedGen C1833247, MONDO:0010943, OMIM 600850.

Submissions (2):

Labcorp Genetics (formerly Invitae), Labcorp
Classification: Uncertain significance for Proline dehydrogenase deficiency. Last evaluated: 2025-11-03. Review status: criteria provided, single submitter. Criteria: Invitae Variant Classification Sherloc (09022015). Collection method: clinical testing. Allele origin: germline.
Comment: This sequence change replaces aspartic acid, which is acidic and polar, with asparagine, which is neutral and polar, at codon 322 of the PRODH protein (p.Asp322Asn). The frequency data for this variant in the population databases is considered unreliable, as metrics indicate poor data quality at this position in the gnomAD database. This variant has not been reported in the literature in individuals affected with PRODH-related conditions. ClinVar contains an entry for this variant (Variation ID: 2074457). Invitae Evidence Modeling of protein sequence and biophysical properties (such as structural, functional, and spatial information, amino acid conservation, physicochemical variation, residue mobility, and thermodynamic stability) indicates that this missense variant is not expected to disrupt PRODH protein function with a negative predictive value of 80%. In summary, the available evidence is currently insufficient to determine the role of this variant in disease. Therefore, it has been classified as a Variant of Uncertain Significance.

Fulgent Genetics
Classification: Uncertain significance for Proline dehydrogenase deficiency; Schizophrenia 4. Last evaluated: 2024-03-10. Review status: criteria provided, single submitter. Criteria: ACMG Guidelines, 2015. Collection method: clinical testing. Allele origin: germline.